The following is an entry in ClinVar:

ClinVar aggregate classification (germline): Likely pathogenic (1 of 4 stars; one submission).

Conditions:
Autosomal recessive Alport syndrome (ATS2). Also called: ALPORT SYNDROME 2, AUTOSOMAL RECESSIVE; Alport syndrome type 2; COL4A4 Alport Syndrome and Thin Basement Membrane Nephropathy; COL4A3-Related Nephropathy. Identifiers: Orphanet 63, Orphanet 88919, MedGen C4746745, MONDO:0008762, OMIM 203780.

Submission:

3billion
Classification: Likely pathogenic for Autosomal recessive Alport syndrome. Last evaluated: 2025-05-07. Review status: criteria provided, single submitter. Criteria: ACMG Guidelines, 2015. Collection method: clinical testing. Allele origin: germline. Affected: yes.
Comment: The variant is not observed in the gnomAD v4.1.0 dataset. Predicted Consequence/Location: Frameshift: predicted to result in a loss or disruption of normal protein function through nonsense-mediated decay (NMD) or protein truncation. Multiple pathogenic variants are reported downstream of the variant. Therefore, this variant is classified as Likely pathogenic according to the recommendation of ACMG/AMP guideline.

NM_000092.5(COL4A4):c.1808del (p.Asp603fs)

Gene: COL4A4 (collagen type IV alpha 4 chain; minus strand). Cytogenetic location: 2q36.3.
Variant type: Deletion.
Coding change: c.1808del on transcript NM_000092.5 (MANE Select); coding-DNA position 1808, one base deleted (A; older notation c.1808delA).
Protein change: p.Asp603fs; shifts the reading frame from aspartic acid 603.
Molecular consequence: frameshift variant.
Genome position (GRCh38, 1-based): chr2:227,078,073, T deleted on the plus strand (A on the coding strand, the reverse complement: COL4A4 is on the minus strand). VCF-style (leftmost placement, unchanged base first): chr2-227078072-AT-A. GRCh37 (hg19) VCF-style: chr2-227942788-AT-A.
Other names: short protein forms D603fs.
Identifiers: ClinVar variation 4853926 (VCV004853926.1).